The following is an entry in ClinVar:

ClinVar aggregate classification (germline): Uncertain significance. Review status: criteria provided, multiple submitters, no conflicts (2 of 4 stars). 6 submissions from 6 submitters: Uncertain significance (6). Last evaluated 2024-10-04.

Conditions:
Developmental and epileptic encephalopathy, 25 (DEE25). Also called: Developmental and epileptic encephalopathy 25, with amelogenesis imperfecta; Epileptic encephalopathy, early infantile, 25, with amelogenesis imperfecta; Epileptic encephalopathy, early infantile, 25. Identifiers: Orphanet 442835, MedGen C4014621, MONDO:0014392, OMIM 615905.
Inborn genetic diseases. Identifiers: MedGen C0950123, MeSH D030342.

Allele frequency attached by ClinVar (database versions not stated): gnomAD exomes 0.00002 and 0.00003; ExAC 0.00003; TOPMed 0.00003; gnomAD 0.00004; ESP Exome Variant Server 0.00008.
gnomAD v4.1: 48 of 1,612,198 alleles (0.003%); highest among the groups gnomAD compares: African/African-American, 0.004%; no homozygotes.

Submissions (6):

Blueprint Genetics
Classification: Uncertain significance. Last evaluated: 2024-10-04. Review status: criteria provided, single submitter. Criteria: ACMG Guidelines, 2015. Collection method: clinical testing. Allele origin: germline.

Labcorp Genetics (formerly Invitae), Labcorp
Classification: Uncertain significance for Developmental and epileptic encephalopathy, 25. Last evaluated: 2022-06-20. Review status: criteria provided, single submitter. Criteria: Invitae Variant Classification Sherloc (09022015). Collection method: clinical testing. Allele origin: germline.
Comment: This sequence change replaces valine, which is neutral and non-polar, with isoleucine, which is neutral and non-polar, at codon 131 of the SLC13A5 protein (p.Val131Ile). This variant is present in population databases (rs140389204, gnomAD 0.008%). This variant has not been reported in the literature in individuals affected with SLC13A5-related conditions. ClinVar contains an entry for this variant (Variation ID: 422076). Algorithms developed to predict the effect of missense changes on protein structure and function output the following: SIFT: "Tolerated"; PolyPhen-2: "Benign"; Align-GVGD: "Class C0". The isoleucine amino acid residue is found in multiple mammalian species, which suggests that this missense change does not adversely affect protein function. In summary, the available evidence is currently insufficient to determine the role of this variant in disease. Therefore, it has been classified as a Variant of Uncertain Significance.

Ambry Genetics
Classification: Uncertain significance for Inborn genetic diseases. Last evaluated: 2021-08-13. Review status: criteria provided, single submitter. Criteria: Ambry Variant Classification Scheme 2023. Collection method: clinical testing. Allele origin: germline.

Genome-Nilou Lab
Classification: Uncertain significance for Developmental and epileptic encephalopathy, 25. Last evaluated: 2021-07-15. Review status: criteria provided, single submitter. Criteria: ACMG Guidelines, 2015. Collection method: clinical testing. Allele origin: germline. Affected: no.

Baylor Genetics
Classification: Uncertain significance for Developmental and epileptic encephalopathy, 25. Last evaluated: 2020-06-03. Review status: criteria provided, single submitter. Criteria: ACMG Guidelines, 2015. Collection method: clinical testing. Allele origin: unknown. Affected: yes.
Comment: This variant was determined to be of uncertain significance according to ACMG Guidelines, 2015 [PMID:25741868].

GeneDx
Classification: Uncertain significance. Last evaluated: 2017-10-11. Review status: criteria provided, single submitter. Criteria: GeneDx Variant Classification (06012015). Collection method: clinical testing. Allele origin: germline. Affected: yes.
Comment: A variant of uncertain significance has been identified in the SLC13A5 gene. The V131I variant has not been published as a pathogenic variant, nor has it been reported as a benign variant to our knowledge. The V131I variant is observed in 2/23840 (0.01%) alleles from individuals of African background (Lek et al., 2016). The V131I variant is a conservative amino acid substitution, which is not likely to impact secondary protein structure as these residues share similar properties. This substitution occurs at a position where amino acids with similar properties to Valine are tolerated across species. In silico analysis is inconsistent in its predictions as to whether or not the variant is damaging to the protein structure/function. Based on the currently available information, it is unclear whether this variant is a pathogenic variant or a rare benign variant.

NM_177550.5(SLC13A5):c.391G>A (p.Val131Ile)

Gene: SLC13A5 (solute carrier family 13 member 5; minus strand). Cytogenetic location: 17p13.1.
Variant type: single nucleotide variant.
Coding change: c.391G>A on transcript NM_177550.5 (MANE Select); coding-DNA position 391, G replaced by A.
Protein change: p.Val131Ile; replaces valine 131 with isoleucine.
Molecular consequence: missense variant. On other transcripts: intron variant (1).
Genome position (GRCh38, 1-based): chr17:6,704,034, C>T on the plus strand (G>A on the coding strand, the complement: SLC13A5 is on the minus strand). VCF-style: chr17-6704034-C-T. GRCh37 (hg19) VCF-style: chr17-6607353-C-T.
Other names: c.391G>A, p.Val131Ile (NM_001143838.3); c.262G>A, p.Val88Ile (NM_001284510.2); c.369-29G>A (NM_001284509.2); short protein forms V131I, V88I.
Identifiers: ClinVar variation 422076 (VCV000422076.11), dbSNP rs140389204, ClinGen allele CA8331722.